The following is an entry in ClinVar:

NM_001127208.3(TET2):c.3409+1136T>A

Genes: TET2 (tet methylcytosine dioxygenase 2; plus strand), TET2-AS1 (TET2 antisense RNA 1; minus strand). Cytogenetic location: 4q24.
Variant type: single nucleotide variant.
Coding change: c.3409+1136T>A on transcript NM_001127208.3 (MANE Select); 1136 bases into the intron after coding-DNA position 3409, T replaced by A.
Molecular consequence: intron variant. On other transcripts: 3 prime UTR variant (1).
Genome position (GRCh38, 1-based): chr4:105,238,487, T>A. VCF-style: chr4-105238487-T-A. GRCh37 (hg19) VCF-style: chr4-106159644-T-A.
Other names: c.*1047T>A (NM_017628.4).
Identifiers: ClinVar variation 2688013 (VCV002688013.2), dbSNP rs6847204, ClinGen allele CA102754640.

ClinVar aggregate classification (germline): Benign (1 of 4 stars; one submission).

Allele frequency attached by ClinVar (database versions not stated): gnomAD 0.99995; TOPMed 0.99995; gnomAD exomes 0.99998; 1000 Genomes Project 1.00000; 1000 Genomes Project 30x 1.00000.
gnomAD v4.1: 248,652 of 248,662 alleles (100%); highest among the groups gnomAD compares: Middle Eastern, 100%; 124,321 homozygotes.

Submission:

Unidad de Genómica Garrahan, Hospital de Pediatría Garrahan
Classification: Benign. Last evaluated: 2024-01-24. Review status: criteria provided, single submitter. Criteria: ACMG Guidelines, 2015. Collection method: clinical testing. Allele origin: germline. Affected: no. Observed: 95 variant alleles.
Comment: This variant is classified as Benign based on local population frequency. This variant was detected in 100% of patients studied by a panel of primary immunodeficiencies. Number of patients: 95. Only high quality variants are reported.